The following is an entry in ClinVar:

NM_182914.3(SYNE2):c.5442G>T (p.Leu1814Phe)

Gene: SYNE2 (spectrin repeat containing nuclear envelope protein 2; plus strand). Cytogenetic location: 14q23.2.
Variant type: single nucleotide variant.
Coding change: c.5442G>T on transcript NM_182914.3 (MANE Select); coding-DNA position 5442, G replaced by T.
Protein change: p.Leu1814Phe; replaces leucine 1814 with phenylalanine.
Molecular consequence: missense variant.
Genome position (GRCh38, 1-based): chr14:64,021,946, G>T. VCF-style: chr14-64021946-G-T. GRCh37 (hg19) VCF-style: chr14-64488664-G-T.
Other names: c.5442G>T, p.Leu1814Phe (NM_015180.6); short protein forms L1814F.
Identifiers: ClinVar variation 4712486 (VCV004712486.1).
Genomic context (GRCh38, chr14:64,021,946, plus strand): 5'-ACACAGTATGATATTACTTGAGAATCAAATAGGTTGTCTGACTCCTGAACTCTCTGAATT[G>T]AAAAAGCAATATGAAAGTGTCAGTGATTTATTTAATACCAAAAAAAGTGTTTTGCAAGAT-3'
Protein context (NP_878918.2, residues 1804-1824): IGCLTPELSE[Leu1814Phe]KKQYESVSDL

ClinVar aggregate classification (germline): Uncertain significance (1 of 4 stars; one submission).

Conditions:
Emery-Dreifuss muscular dystrophy 5, autosomal dominant (EDMD5). Also called: EMERY-DREIFUSS MUSCULAR DYSTROPHY 5. Identifiers: Orphanet 261, MedGen C2751805, MONDO:0013072, OMIM 612999.

Submission:

Labcorp Genetics (formerly Invitae), Labcorp
Classification: Uncertain significance for Emery-Dreifuss muscular dystrophy 5, autosomal dominant. Last evaluated: 2025-02-06. Review status: criteria provided, single submitter. Criteria: Invitae Variant Classification Sherloc (09022015). Collection method: clinical testing. Allele origin: germline.
Comment: This sequence change replaces leucine, which is neutral and non-polar, with phenylalanine, which is neutral and non-polar, at codon 1814 of the SYNE2 protein (p.Leu1814Phe). This variant is not present in population databases (gnomAD no frequency). This variant has not been reported in the literature in individuals affected with SYNE2-related conditions. An algorithm developed to predict the effect of missense changes on protein structure and function (PolyPhen-2) suggests that this variant is likely to be disruptive. In summary, the available evidence is currently insufficient to determine the role of this variant in disease. Therefore, it has been classified as a Variant of Uncertain Significance.